The following is an entry in ClinVar:

NM_001987.5(ETV6):c.239G>C (p.Arg80Thr)

Genes: ETV6 (ETS variant transcription factor 6; plus strand), LOC126861451 (BRD4-independent group 4 enhancer GRCh37_chr12:11991350-11992549; plus strand). Cytogenetic location: 12p13.2.
Variant type: single nucleotide variant.
Coding change: c.239G>C on transcript NM_001987.5 (MANE Select); coding-DNA position 239, G replaced by C.
Protein change: p.Arg80Thr; replaces arginine 80 with threonine.
Molecular consequence: missense variant. On other transcripts: 5 prime UTR variant (1).
Genome position (GRCh38, 1-based): chr12:11,839,215, G>C. VCF-style: chr12-11839215-G-C. GRCh37 (hg19) VCF-style: chr12-11992149-G-C.
Other names: c.236G>C, p.Arg79Thr (NM_001413913.1); c.212G>C, p.Arg71Thr (NM_001413914.1); c.-26G>C (NM_001413915.1); c.239G>C, p.Arg80Thr (NM_001413916.1, NM_001413917.1, NM_001413918.1); short protein forms R80T, R71T, R79T.
Identifiers: ClinVar variation 3510620 (VCV003510620.1).
Genomic context (GRCh38, chr12:11,839,215, plus strand): 5'-ACTGGAGCAGGGATGACGTAGCCCAGTGGCTCAAGTGGGCTGAAAATGAGTTTTCTTTAA[G>C]GCCAATTGACAGCAACACGTTTGAAATGAATGGCAAAGCTCTCCTGCTGCTGACCAAAGA-3'
Protein context (NP_001978.1, residues 70-90): LKWAENEFSL[Arg80Thr]PIDSNTFEMN

ClinVar aggregate classification (germline): Uncertain significance (1 of 4 stars; one submission).

Conditions:
Inborn genetic diseases. Identifiers: MedGen C0950123, MeSH D030342.

Submission:

Ambry Genetics
Classification: Uncertain significance for Inborn genetic diseases. Last evaluated: 2024-11-23. Review status: criteria provided, single submitter. Criteria: Ambry Variant Classification Scheme 2023. Collection method: clinical testing. Allele origin: germline.
Comment: The p.R80T variant (also known as c.239G>C), located in coding exon 3 of the ETV6 gene, results from a G to C substitution at nucleotide position 239. The arginine at codon 80 is replaced by threonine, an amino acid with similar properties. This amino acid position is conserved. In addition, the in silico prediction for this alteration is inconclusive. Based on the available evidence, the clinical significance of this variant remains unclear.